The following is an entry in ClinVar:

NM_002577.4(PAK2):c.1205C>T (p.Thr402Ile)

Gene: PAK2 (p21 (RAC1) activated kinase 2; plus strand). Cytogenetic location: 3q29.
Variant type: single nucleotide variant.
Coding change: c.1205C>T on transcript NM_002577.4 (MANE Select); coding-DNA position 1205, C replaced by T.
Protein change: p.Thr402Ile; replaces threonine 402 with isoleucine.
Molecular consequence: missense variant.
Genome position (GRCh38, 1-based): chr3:196,820,422, C>T. VCF-style: chr3-196820422-C-T. GRCh37 (hg19) VCF-style: chr3-196547293-C-T.
Other names: short protein forms T402I.
Identifiers: ClinVar variation 1320313 (VCV001320313.1), dbSNP rs2108772943, ClinGen allele CA355643052.
Genomic context (GRCh38, chr3:196,820,422, plus strand): 5'-GTTTTGTAGCTGACTTTGGTTTCTGTGCCCAGATCACCCCTGAGCAGAGCAAACGCAGTA[C>T]CATGGTCGGAACGCCATACTGGATGGCACCAGAGGTGGTTACACGGAAAGCTTATGGCCC-3'
Protein context (NP_002568.2, residues 392-412): QITPEQSKRS[Thr402Ile]MVGTPYWMAP

ClinVar aggregate classification (germline): Uncertain significance (1 of 4 stars; one submission).

Submission:

HudsonAlpha Institute for Biotechnology
Classification: Uncertain significance. Last evaluated: 2021-05-13. Review status: criteria provided, single submitter. Criteria: ACMG Guidelines, 2015. Collection method: research. Allele origin: de novo. Observed: 1 variant allele. Study: CSER-SouthSeq.
Comment: ACMG codes: PM2; PP3